The following is an entry in ClinVar:

ClinVar aggregate classification (germline): Uncertain significance (1 of 4 stars; one submission).

Conditions:
Adams-Oliver syndrome 5 (AOS5). Identifiers: Orphanet 974, MedGen C4014970, MONDO:0014459, OMIM 616028.

Allele frequency attached by ClinVar (database versions not stated): gnomAD exomes below 0.00001.
gnomAD v4.1: 1 of 1,612,846 alleles (0.000062%); highest among the groups gnomAD compares: African/African-American, 0.0013%; no homozygotes.

Submission:

Labcorp Genetics (formerly Invitae), Labcorp
Classification: Uncertain significance for Adams-Oliver syndrome 5. Last evaluated: 2025-09-02. Review status: criteria provided, single submitter. Criteria: Invitae Variant Classification Sherloc (09022015). Collection method: clinical testing. Allele origin: germline.
Comment: This sequence change replaces glutamine, which is neutral and polar, with arginine, which is basic and polar, at codon 2184 of the NOTCH1 protein (p.Gln2184Arg). This variant is not present in population databases (gnomAD no frequency). This variant has not been reported in the literature in individuals affected with NOTCH1-related conditions. ClinVar contains an entry for this variant (Variation ID: 1354290). Invitae Evidence Modeling of protein sequence and biophysical properties (such as structural, functional, and spatial information, amino acid conservation, physicochemical variation, residue mobility, and thermodynamic stability) indicates that this missense variant is not expected to disrupt NOTCH1 protein function with a negative predictive value of 95%. In summary, the available evidence is currently insufficient to determine the role of this variant in disease. Therefore, it has been classified as a Variant of Uncertain Significance.

NM_017617.5(NOTCH1):c.6551A>G (p.Gln2184Arg)

Gene: NOTCH1 (notch receptor 1; minus strand). Cytogenetic location: 9q34.3.
Variant type: single nucleotide variant.
Coding change: c.6551A>G on transcript NM_017617.5 (MANE Select); coding-DNA position 6551, A replaced by G.
Protein change: p.Gln2184Arg; replaces glutamine 2184 with arginine.
Molecular consequence: missense variant.
Genome position (GRCh38, 1-based): chr9:136,497,188, T>C on the plus strand (A>G on the coding strand, the complement: NOTCH1 is on the minus strand). VCF-style: chr9-136497188-T-C. GRCh37 (hg19) VCF-style: chr9-139391640-T-C.
Other names: short protein forms Q2184R.
Identifiers: ClinVar variation 1354290 (VCV001354290.8), dbSNP rs2133318027, ClinGen allele CA375631298.